The following is an entry in ClinVar:

NM_001126108.2(SLC12A3):c.1967C>G (p.Pro656Arg)

Gene: SLC12A3 (solute carrier family 12 member 3; plus strand). Cytogenetic location: 16q13.
Variant type: single nucleotide variant.
Coding change: c.1967C>G on transcript NM_001126108.2 (MANE Select); coding-DNA position 1967, C replaced by G.
Protein change: p.Pro656Arg; replaces proline 656 with arginine.
Molecular consequence: missense variant.
Genome position (GRCh38, 1-based): chr16:56,886,405, C>G. VCF-style: chr16-56886405-C-G. GRCh37 (hg19) VCF-style: chr16-56920317-C-G.
Other names: c.1967C>G, p.Pro656Arg (NM_000339.3); c.1964C>G, p.Pro655Arg (NM_001126107.2, NM_001410896.1); short protein forms P656R, P655R.
Identifiers: ClinVar variation 1923942 (VCV001923942.5), dbSNP rs140363569, ClinGen allele CA395992954.

ClinVar aggregate classification (germline): Uncertain significance (1 of 4 stars; one submission).

Submission:

Labcorp Genetics (formerly Invitae), Labcorp
Classification: Uncertain significance. Last evaluated: 2024-06-03. Review status: criteria provided, single submitter. Criteria: Invitae Variant Classification Sherloc (09022015). Collection method: clinical testing. Allele origin: germline.
Comment: This sequence change replaces proline, which is neutral and non-polar, with arginine, which is basic and polar, at codon 656 of the SLC12A3 protein (p.Pro656Arg). This variant is not present in population databases (gnomAD no frequency). This variant has not been reported in the literature in individuals affected with SLC12A3-related conditions. ClinVar contains an entry for this variant (Variation ID: 1923942). Advanced modeling of protein sequence and biophysical properties (such as structural, functional, and spatial information, amino acid conservation, physicochemical variation, residue mobility, and thermodynamic stability) performed at Invitae indicates that this missense variant is expected to disrupt SLC12A3 protein function with a positive predictive value of 95%. In summary, the available evidence is currently insufficient to determine the role of this variant in disease. Therefore, it has been classified as a Variant of Uncertain Significance.